The following is an entry in ClinVar:

ClinVar aggregate classification (germline): Likely benign (1 of 4 stars; one submission).

Submission:

CeGaT Center for Human Genetics Tuebingen
Classification: Likely benign. Last evaluated: 2022-12-01. Review status: criteria provided, single submitter. Criteria: CeGaT Center For Human Genetics Tuebingen Variant Classification Criteria Version 2. Collection method: clinical testing. Allele origin: germline. Affected: yes. Observed: 1 variant allele.
Comment: DGKH: BS2

NM_178009.5(DGKH):c.623-3_623-2insTTTTTTTTTTTTTTTTTTTTTTTTTTTTTTTTTTTTT

Gene: DGKH (diacylglycerol kinase eta; plus strand). Cytogenetic location: 13q14.11.
Variant type: Insertion.
Coding change: c.623-3_623-2insTTTTTTTTTTTTTTTTTTTTTTTTTTTTTTTTTTTTT on transcript NM_178009.5 (MANE Select); 3 bases into the intron before coding-DNA position 623 through the canonical splice acceptor site of the intron before coding-DNA position 623, TTTTTTTTTTTTTTTTTTTTTTTTTTTTTTTTTTTTT inserted.
Molecular consequence: intron variant.
Genome position: GRCh38: chr13:42,159,263-42,159,264. GRCh37 (hg19): chr13:42,733,399-42,733,400.
Other names: c.623-3_623-2insTTTTTTTTTTTTTTTTTTTTTTTTTTTTTTTTTTTTT (NM_001204504.3, NM_152910.6); c.215-3_215-2insTTTTTTTTTTTTTTTTTTTTTTTTTTTTTTTTTTTTT (NM_001204505.3, NM_001204506.3); c.120+3464_120+3465insTTTTTTTTTTTTTTTTTTTTTTTTTTTTTTTTTTTTT (NM_001297429.2).
Identifiers: ClinVar variation 2643789 (VCV002643789.24), dbSNP rs57531279, ClinGen allele CA955364318.